The following is an entry in ClinVar:

ClinVar aggregate classification (germline): Uncertain significance (1 of 4 stars; one submission).

Conditions:
CSMD1-related disorder. Also called: CSMD1-related condition.

Submission:

PreventionGenetics, part of Exact Sciences
Classification: Uncertain significance for CSMD1-related condition. Last evaluated: 2026-08-13. Review status: criteria provided, single submitter. Criteria: ACMG Guidelines, 2015. Collection method: clinical testing. Allele origin: germline.
Comment: The CSMD1 c.3638A>G variant is predicted to result in the amino acid substitution p.Asp1213Gly. To our knowledge, this variant has not been reported in the literature. This variant is reported in 0.0033% of alleles in individuals of South Asian descent in gnomAD. At this time, the clinical significance of this variant is uncertain due to the absence of conclusive functional and genetic evidence.

NM_033225.6(CSMD1):c.3638A>G (p.Asp1213Gly)

Gene: CSMD1 (CUB and Sushi multiple domains 1; minus strand). Cytogenetic location: 8p23.2.
Variant type: single nucleotide variant.
Coding change: c.3638A>G on transcript NM_033225.6 (MANE Select); coding-DNA position 3638, A replaced by G.
Protein change: p.Asp1213Gly; replaces aspartic acid 1213 with glycine.
Molecular consequence: missense variant.
Genome position (GRCh38, 1-based): chr8:3,308,497, T>C on the plus strand (A>G on the coding strand, the complement: CSMD1 is on the minus strand). VCF-style: chr8-3308497-T-C. GRCh37 (hg19) VCF-style: chr8-3166019-T-C.
Other names: short protein forms D1213G.
Identifiers: ClinVar variation 5002467 (VCV005002467.1).
Genomic context (GRCh38, chr8:3,308,497, plus strand): 5'-CCTTCATCACGGATCCTATAGCCGTAGTTAGGGATGCCCGGATCCTCACATTTTACCAGA[T>C]CAAAACCTGCAAGAGAGAAAGGCAAGGAATGAACAGAACTCAAGGGTGGACATCTGCCTT-3'
Protein context (NP_150094.5, residues 1203-1223): QGFQLTYTSF[Asp1213Gly]LVKCEDPGIP